The following is an entry in ClinVar:

ClinVar aggregate classification (germline): Uncertain significance (1 of 4 stars; one submission).

Submission:

Labcorp Genetics (formerly Invitae), Labcorp
Classification: Uncertain significance. Last evaluated: 2024-02-14. Review status: criteria provided, single submitter. Criteria: Invitae Variant Classification Sherloc (09022015). Collection method: clinical testing. Allele origin: germline.
Comment: This sequence change replaces phenylalanine, which is neutral and non-polar, with leucine, which is neutral and non-polar, at codon 99 of the COL11A1 protein (p.Phe99Leu). This variant is not present in population databases (gnomAD no frequency). This variant has not been reported in the literature in individuals affected with COL11A1-related conditions. ClinVar contains an entry for this variant (Variation ID: 1522227). Advanced modeling of protein sequence and biophysical properties (such as structural, functional, and spatial information, amino acid conservation, physicochemical variation, residue mobility, and thermodynamic stability) performed at Invitae indicates that this missense variant is not expected to disrupt COL11A1 protein function with a negative predictive value of 95%. In summary, the available evidence is currently insufficient to determine the role of this variant in disease. Therefore, it has been classified as a Variant of Uncertain Significance.

NM_001854.4(COL11A1):c.295T>C (p.Phe99Leu)

Gene: COL11A1 (collagen type XI alpha 1 chain; minus strand). Cytogenetic location: 1p21.1.
Variant type: single nucleotide variant.
Coding change: c.295T>C on transcript NM_001854.4 (MANE Select); coding-DNA position 295, T replaced by C.
Protein change: p.Phe99Leu; replaces phenylalanine 99 with leucine.
Molecular consequence: missense variant. On other transcripts: non-coding transcript variant (1).
Genome position (GRCh38, 1-based): chr1:103,078,851, A>G on the plus strand (T>C on the coding strand, the complement: COL11A1 is on the minus strand). VCF-style: chr1-103078851-A-G. GRCh37 (hg19) VCF-style: chr1-103544407-A-G.
Other names: c.295T>C, p.Phe99Leu (NM_001190709.2, NM_080629.3, NM_080630.4); short protein forms F99L.
Identifiers: ClinVar variation 1522227 (VCV001522227.8), dbSNP rs2102303756, ClinGen allele CA341168049.
Genomic context (GRCh38, chr1:103,078,851, plus strand): 5'-ATATAGATAAAAGGAAAGACTGAATTCCTTTTTTTGGTTTTACTGTAAATAGTATTGAAA[A>G]GTCTTCTGGGAAAGTTCCACCTGAGAAGAAAAGGCCAAAGAGTTAGAAATTTCCAATTTC-3'
Protein context (NP_001845.3, residues 89-109): LFPGGTFPED[Phe99Leu]SILFTVKPKK